The following is an entry in ClinVar:

ClinVar aggregate classification (germline): Uncertain significance (1 of 4 stars; one submission).

gnomAD v4.1: 24 of 1,612,232 alleles (0.0015%); highest among the groups gnomAD compares: Admixed American, 0.015%; no homozygotes.

Submission:

Labcorp Genetics (formerly Invitae), Labcorp
Classification: Uncertain significance. Last evaluated: 2023-08-04. Review status: criteria provided, single submitter. Criteria: Invitae Variant Classification Sherloc (09022015). Collection method: clinical testing. Allele origin: germline.
Comment: This sequence change replaces leucine, which is neutral and non-polar, with arginine, which is basic and polar, at codon 26 of the CTSB protein (p.Leu26Arg). This variant is present in population databases (rs28605689, gnomAD 0.03%). In summary, the available evidence is currently insufficient to determine the role of this variant in disease. Therefore, it has been classified as a Variant of Uncertain Significance. An algorithm developed to predict the effect of missense changes on protein structure and function (PolyPhen-2) suggests that this variant is likely to be tolerated. ClinVar contains an entry for this variant (Variation ID: 1922195). This variant has not been reported in the literature in individuals affected with CTSB-related conditions.

NM_001908.5(CTSB):c.77T>G (p.Leu26Arg)

Genes: CTSB (cathepsin B), LOC121268921 (Sharpr-MPRA regulatory region 10233). Cytogenetic location: 8p23.1.
Variant type: single nucleotide variant.
Coding change: c.77T>G on transcript NM_001908.5 (MANE Select); coding-DNA position 77, T replaced by G.
Protein change: p.Leu26Arg; replaces leucine 26 with arginine.
Molecular consequence: missense variant. On other transcripts: 5 prime UTR variant (1).
Genome position (GRCh38, 1-based): chr8:11,853,378, A>C on the plus strand (T>G on the coding strand, the complement: CTSB is on the minus strand). VCF-style: chr8-11853378-A-C. GRCh37 (hg19) VCF-style: chr8-11710887-A-C.
Other names: c.-177T>G (NM_001317237.2); c.77T>G, p.Leu26Arg (NM_001384714.1, NM_001384723.1, NM_001384724.1 and 8 more transcripts); short protein forms L26R.
Identifiers: ClinVar variation 1922195 (VCV001922195.5), dbSNP rs28605689, ClinGen allele CA4633199.